The following is an entry in ClinVar:

NM_017617.5(NOTCH1):c.1451G>C (p.Gly484Ala)

Gene: NOTCH1 (notch receptor 1; minus strand). Cytogenetic location: 9q34.3.
Variant type: single nucleotide variant.
Coding change: c.1451G>C on transcript NM_017617.5 (MANE Select); coding-DNA position 1451, G replaced by C.
Protein change: p.Gly484Ala; replaces glycine 484 with alanine.
Molecular consequence: missense variant.
Genome position (GRCh38, 1-based): chr9:136,517,376, C>G on the plus strand (G>C on the coding strand, the complement: NOTCH1 is on the minus strand). VCF-style: chr9-136517376-C-G. GRCh37 (hg19) VCF-style: chr9-139411828-C-G.
Other names: short protein forms G484A.
Identifiers: ClinVar variation 4730525 (VCV004730525.1).

ClinVar aggregate classification (germline): Uncertain significance (1 of 4 stars; one submission).

Conditions:
Adams-Oliver syndrome 5 (AOS5). Identifiers: Orphanet 974, MedGen C4014970, MONDO:0014459, OMIM 616028.

Submission:

Labcorp Genetics (formerly Invitae), Labcorp
Classification: Uncertain significance for Adams-Oliver syndrome 5. Last evaluated: 2025-11-05. Review status: criteria provided, single submitter. Criteria: Invitae Variant Classification Sherloc (09022015). Collection method: clinical testing. Allele origin: germline.
Comment: This sequence change replaces glycine, which is neutral and non-polar, with alanine, which is neutral and non-polar, at codon 484 of the NOTCH1 protein (p.Gly484Ala). This variant is not present in population databases (gnomAD no frequency). This variant has not been reported in the literature in individuals affected with NOTCH1-related conditions. An algorithm developed to predict the effect of missense changes on protein structure and function (PolyPhen-2) suggests that this variant is likely to be disruptive. In summary, the available evidence is currently insufficient to determine the role of this variant in disease. Therefore, it has been classified as a Variant of Uncertain Significance.